The following is an entry in ClinVar:

NM_001776.6(ENTPD1):c.1478T>C (p.Ile493Thr)

Genes: ENTPD1-AS1 (ENTPD1 antisense RNA 1; minus strand), ENTPD1 (ectonucleoside triphosphate diphosphohydrolase 1; plus strand). Cytogenetic location: 10q24.1.
Variant type: single nucleotide variant.
Coding change: c.1478T>C on transcript NM_001776.6 (MANE Select); coding-DNA position 1478, T replaced by C.
Protein change: p.Ile493Thr; replaces isoleucine 493 with threonine.
Molecular consequence: missense variant. On other transcripts: intron variant (1).
Genome position (GRCh38, 1-based): chr10:95,866,328, T>C. VCF-style: chr10-95866328-T-C. GRCh37 (hg19) VCF-style: chr10-97626085-T-C.
Other names: c.1499T>C, p.Ile500Thr (NM_001098175.2); c.1514T>C, p.Ile505Thr (NM_001164178.1); c.1355T>C, p.Ile452Thr (NM_001164179.2); c.1154T>C, p.Ile385Thr (NM_001164181.1, NM_001312654.1); c.1064T>C, p.Ile355Thr (NM_001164182.2, NM_001164183.2); c.1362+1467T>C (NM_001320916.1); short protein forms I355T, I385T, I452T, I493T, I500T, I505T.
Identifiers: ClinVar variation 3341988 (VCV003341988.17).

ClinVar aggregate classification (germline): Uncertain significance. Review status: criteria provided, multiple submitters, no conflicts (2 of 4 stars). 2 submissions from 2 submitters: Uncertain significance (2). Last evaluated 2025-09-16.

Conditions:
Hereditary spastic paraplegia 64. Also called: Spastic paraplegia 64, autosomal recessive; ENTPD1-Related Neurodevelopmental Disorder. Identifiers: Orphanet 401810, MedGen C3810289, MONDO:0014303, OMIM 615683.

gnomAD v4.1: 4 of 1,614,218 alleles (0.00025%); highest among the groups gnomAD compares: Non-Finnish European, 0.00025%; no homozygotes.

Submissions (2):

Labcorp Genetics (formerly Invitae), Labcorp
Classification: Uncertain significance for Hereditary spastic paraplegia 64. Last evaluated: 2025-09-16. Review status: criteria provided, single submitter. Criteria: Invitae Variant Classification Sherloc (09022015). Collection method: clinical testing. Allele origin: germline.
Comment: This sequence change replaces isoleucine, which is neutral and non-polar, with threonine, which is neutral and polar, at codon 493 of the ENTPD1 protein (p.Ile493Thr). This variant is present in population databases (rs754205303, gnomAD 0.0009%). This variant has not been reported in the literature in individuals affected with ENTPD1-related conditions. ClinVar contains an entry for this variant (Variation ID: 3341988). An algorithm developed to predict the effect of missense changes on protein structure and function (PolyPhen-2) suggests that this variant is likely to be tolerated. In summary, the available evidence is currently insufficient to determine the role of this variant in disease. Therefore, it has been classified as a Variant of Uncertain Significance.

CeGaT Center for Human Genetics Tuebingen
Classification: Uncertain significance. Last evaluated: 2024-08-01. Review status: criteria provided, single submitter. Criteria: CeGaT Center For Human Genetics Tuebingen Variant Classification Criteria Version 2. Collection method: clinical testing. Allele origin: germline. Affected: yes. Observed: 1 variant allele.
Comment: ENTPD1: PM2, BP4